The following is an entry in ClinVar:

NM_001130987.2(DYSF):c.6153C>A (p.Asn2051Lys)

Gene: DYSF (dysferlin; plus strand). Cytogenetic location: 2p13.2.
Variant type: single nucleotide variant.
Coding change: c.6153C>A on transcript NM_001130987.2 (MANE Select); coding-DNA position 6153, C replaced by A.
Protein change: p.Asn2051Lys; replaces asparagine 2051 with lysine.
Molecular consequence: missense variant.
Genome position (GRCh38, 1-based): chr2:71,681,090, C>A. VCF-style: chr2-71681090-C-A. GRCh37 (hg19) VCF-style: chr2-71908220-C-A.
Other names: c.6039C>A, p.Asn2013Lys (NM_001130455.2); c.5994C>A, p.Asn1998Lys (NM_001130976.2); c.6057C>A, p.Asn2019Lys (NM_001130977.2); c.6099C>A, p.Asn2033Lys (NM_001130978.2); c.6129C>A, p.Asn2043Lys (NM_001130979.2); c.6087C>A, p.Asn2029Lys (NM_001130980.2); c.6150C>A, p.Asn2050Lys (NM_001130981.2); c.6132C>A, p.Asn2044Lys (NM_001130982.2); and 5 more; short protein forms N1998K, N1999K, N2012K, N2013K, N2019K, N2020K, N2029K, N2030K.
Identifiers: ClinVar variation 1315386 (VCV001315386.2), dbSNP rs778053107, ClinGen allele CA1707605.

ClinVar aggregate classification (germline): Uncertain significance (1 of 4 stars; one submission).

Allele frequency attached by ClinVar (database versions not stated): gnomAD exomes below 0.00001; ExAC 0.00001.
gnomAD v4.1: 1 of 1,614,162 alleles (0.000062%); highest among the groups gnomAD compares: South Asian, 0.0011%; no homozygotes.

Submission:

GeneDx
Classification: Uncertain significance. Last evaluated: 2020-02-12. Review status: criteria provided, single submitter. Criteria: GeneDx Variant Classification Process June 2021. Collection method: clinical testing. Allele origin: germline. Affected: yes.
Comment: Not observed at a significant frequency in large population cohorts (Lek et al., 2016); Has not been previously published as pathogenic or benign to our knowledge